The following is an entry in ClinVar:

NM_000238.4(KCNH2):c.1787C>G (p.Pro596Arg)

Gene: KCNH2 (potassium voltage-gated channel subfamily H member 2; minus strand). Cytogenetic location: 7q36.1.
Variant type: single nucleotide variant.
Coding change: c.1787C>G on transcript NM_000238.4 (MANE Select); coding-DNA position 1787, C replaced by G.
Protein change: p.Pro596Arg; replaces proline 596 with arginine.
Molecular consequence: missense variant.
Genome position (GRCh38, 1-based): chr7:150,951,606, G>C on the plus strand (C>G on the coding strand, the complement: KCNH2 is on the minus strand). VCF-style: chr7-150951606-G-C. GRCh37 (hg19) VCF-style: chr7-150648694-G-C.
Other names: c.1787C>G (LRG_288t1); c.1610C>G, p.Pro537Arg (NM_001406755.1); c.1499C>G, p.Pro500Arg (NM_001406756.1, NM_001406753.1); c.1487C>G, p.Pro496Arg (NM_001406757.1); c.1787C>G, p.Pro596Arg (NM_172056.3); c.767C>G, p.Pro256Arg (NM_172057.3, NM_001204798.2); short protein forms P256R, P596R, P500R, P537R, P496R.
Identifiers: ClinVar variation 67275 (VCV000067275.3), dbSNP rs199472933, ClinGen allele CA005495.

ClinVar aggregate classification (germline): not provided (0 of 4 stars; one submission).

Conditions:
Familial long QT syndrome (RWS). Also called: Congenital long QT syndrome; Romano-Ward syndrome; VENTRICULAR FIBRILLATION WITH PROLONGED QT INTERVAL. Identifiers: Orphanet 768, MedGen C1141890, MONDO:0019171.

Submission:

Cardiovascular Biomedical Research Unit, Royal Brompton & Harefield NHS Foundation Trust
No classification provided. Condition: Familial long QT syndrome. Review status: no classification provided. Collection method: literature only. Allele origin: germline.
Comment: This variant has been reported as associated with Long QT syndrome in the following publications (PMID:15840476;PMID:16432067). This is a literature report, and does not necessarily reflect the clinical interpretation of the Imperial College / Royal Brompton Cardiovascular Genetics laboratory.

Literature cited by the submitters: PubMed 15840476; PubMed 16432067; PubMed 22581653.